The following is an entry in ClinVar:

NM_015346.4(ZFYVE26):c.4767dup (p.Glu1590fs)

Gene: ZFYVE26 (zinc finger FYVE-type containing 26; minus strand). Cytogenetic location: 14q24.1.
Variant type: Duplication.
Coding change: c.4767dup on transcript NM_015346.4 (MANE Select); coding-DNA position 4767, one base duplicated (A; older notation c.4767dupA).
Protein change: p.Glu1590fs; shifts the reading frame from glutamic acid 1590.
Molecular consequence: frameshift variant.
Genome position (GRCh38, 1-based): chr14:67,778,156, T duplicated on the plus strand (A on the coding strand, the reverse complement: ZFYVE26 is on the minus strand). VCF-style (leftmost placement, unchanged base first): chr14-67778155-C-CT. GRCh37 (hg19) VCF-style: chr14-68244872-C-CT.
Other names: short protein forms E1590fs.
Identifiers: ClinVar variation 1388146 (VCV001388146.6), dbSNP rs2140215707, ClinGen allele CA2573150127.

ClinVar aggregate classification (germline): Pathogenic (1 of 4 stars; one submission).

Conditions:
Spastic paraplegia. Identifiers: MedGen C0037772, HP:0001258.

Submission:

Labcorp Genetics (formerly Invitae), Labcorp
Classification: Pathogenic for Spastic paraplegia. Last evaluated: 2021-04-05. Review status: criteria provided, single submitter. Criteria: Invitae Variant Classification Sherloc (09022015). Collection method: clinical testing. Allele origin: germline.
Comment: For these reasons, this variant has been classified as Pathogenic. This variant has not been reported in the literature in individuals with ZFYVE26-related conditions. This variant is not present in population databases (ExAC no frequency). This sequence change creates a premature translational stop signal (p.Glu1590Argfs*6) in the ZFYVE26 gene. It is expected to result in an absent or disrupted protein product. Loss-of-function variants in ZFYVE26 are known to be pathogenic (PMID: 18394578, 19805727).

Literature cited by the submitters: PubMed 18394578; PubMed 19805727.